The following is an entry in ClinVar:

ClinVar aggregate classification (germline): Uncertain significance (1 of 4 stars; one submission).

Conditions:
Alagille syndrome due to a JAG1 point mutation. Also called: Alagille Syndrome 1; HEPATIC DUCTULAR HYPOPLASIA, SYNDROMATIC; JAG1-Related Alagille Syndrome. Identifiers: Orphanet 261619, Orphanet 52, MedGen C1956125, MONDO:0016862, OMIM 118450.

Submission:

Labcorp Genetics (formerly Invitae), Labcorp
Classification: Uncertain significance for Alagille syndrome due to a JAG1 point mutation. Last evaluated: 2022-04-19. Review status: criteria provided, single submitter. Criteria: Invitae Variant Classification Sherloc (09022015). Collection method: clinical testing. Allele origin: germline.
Comment: In summary, the available evidence is currently insufficient to determine the role of this variant in disease. Therefore, it has been classified as a Variant of Uncertain Significance. Algorithms developed to predict the effect of missense changes on protein structure and function are either unavailable or do not agree on the potential impact of this missense change (SIFT: "Deleterious"; PolyPhen-2: "Probably Damaging"; Align-GVGD: "Class C0"). This variant has not been reported in the literature in individuals affected with JAG1-related conditions. This variant is not present in population databases (gnomAD no frequency). This sequence change replaces leucine, which is neutral and non-polar, with proline, which is neutral and non-polar, at codon 307 of the JAG1 protein (p.Leu307Pro).

NM_000214.3(JAG1):c.920T>C (p.Leu307Pro)

Gene: JAG1 (jagged canonical Notch ligand 1; minus strand). Cytogenetic location: 20p12.2.
Variant type: single nucleotide variant.
Coding change: c.920T>C on transcript NM_000214.3 (MANE Select); coding-DNA position 920, T replaced by C.
Protein change: p.Leu307Pro; replaces leucine 307 with proline.
Molecular consequence: missense variant.
Genome position (GRCh38, 1-based): chr20:10,652,217, A>G on the plus strand (T>C on the coding strand, the complement: JAG1 is on the minus strand). VCF-style: chr20-10652217-A-G. GRCh37 (hg19) VCF-style: chr20-10632865-A-G.
Other names: short protein forms L307P.
Identifiers: ClinVar variation 2038224 (VCV002038224.4), dbSNP rs2514521356, ClinGen allele CA408239097.